The following is an entry in ClinVar:

NM_000535.7(PMS2):c.730del (p.Gln244fs)

Gene: PMS2 (PMS1 homolog 2, mismatch repair system component; minus strand). Cytogenetic location: 7p22.1.
Variant type: Deletion.
Coding change: c.730del on transcript NM_000535.7 (MANE Select); coding-DNA position 730, one base deleted (C; older notation c.730delC).
Protein change: p.Gln244fs; shifts the reading frame from glutamine 244.
Molecular consequence: frameshift variant. On other transcripts: 5 prime UTR variant (2), non-coding transcript variant (1).
Genome position (GRCh38, 1-based): chr7:5,997,399, G deleted on the plus strand (C on the coding strand, the reverse complement: PMS2 is on the minus strand). VCF-style (leftmost placement, unchanged base first): chr7-5997398-TG-T. GRCh37 (hg19) VCF-style: chr7-6037029-TG-T.
Other names: c.325del, p.Gln109fs (NM_001322003.2, NM_001322004.2, NM_001322005.2 and 2 more transcripts); c.730del, p.Gln244fs (NM_001322006.2, NM_001322014.2); c.412del, p.Gln138fs (NM_001322007.2, NM_001322008.2); c.-204del (NM_001322011.2, NM_001322012.2); c.157del, p.Gln53fs (NM_001322013.2); c.421del, p.Gln141fs (NM_001322015.2); short protein forms Q53fs, Q138fs, Q244fs, Q109fs, Q141fs.
Identifiers: ClinVar variation 826956 (VCV000826956.4), dbSNP rs1583375062, ClinGen allele CA915944831.

ClinVar aggregate classification (germline): Pathogenic (1 of 4 stars; one submission).

Conditions:
Hereditary cancer-predisposing syndrome. Also called: Neoplastic Syndromes, Hereditary; Tumor predisposition; Hereditary neoplastic syndrome; Hereditary Cancer Syndrome. Identifiers: Orphanet 140162, MedGen C0027672, MeSH D009386, MONDO:0015356.

Submission:

Ambry Genetics
Classification: Pathogenic for Hereditary cancer-predisposing syndrome. Last evaluated: 2018-09-25. Review status: criteria provided, single submitter. Criteria: Ambry Variant Classification Scheme 2023. Collection method: clinical testing. Allele origin: germline.
Comment: The c.730delC pathogenic mutation, located in coding exon 7 of the PMS2 gene, results from a deletion of one nucleotide at nucleotide position 730, causing a translational frameshift with a predicted alternate stop codon (p.Q244Sfs*14). This alteration is expected to result in loss of function by premature protein truncation or nonsense-mediated mRNA decay. As such, this alteration is interpreted as a disease-causing mutation.